The following is an entry in ClinVar:

ClinVar aggregate classification (germline): Benign. Review status: criteria provided, multiple submitters, no conflicts (2 of 4 stars). 3 submissions from 3 submitters: Benign (3). Last evaluated 2023-11-12.

Allele frequency attached by ClinVar (database versions not stated): 1000 Genomes Project 0.14018; gnomAD exomes 0.14338; 1000 Genomes Project 30x 0.14600; gnomAD 0.16830 and 0.17265; TOPMed 0.16990.

Submissions (3):

Unidad de Genómica Garrahan, Hospital de Pediatría Garrahan
Classification: Benign. Last evaluated: 2023-11-12. Review status: criteria provided, single submitter. Criteria: ACMG Guidelines, 2015. Collection method: clinical testing. Allele origin: germline. Affected: no. Observed: 20 variant alleles.
Comment: This variant is classified as Benign based on local population frequency. This variant was detected in 21% of patients studied by a panel of primary immunodeficiencies. Number of patients: 20. Only high quality variants are reported.

GeneDx
Classification: Benign. Last evaluated: 2018-06-19. Review status: criteria provided, single submitter. Criteria: GeneDx Variant Classification (06012015). Collection method: clinical testing. Allele origin: germline. Affected: yes.
Comment: This variant is considered likely benign or benign based on one or more of the following criteria: it is a conservative change, it occurs at a poorly conserved position in the protein, it is predicted to be benign by multiple in silico algorithms, and/or has population frequency not consistent with disease.

Breakthrough Genomics
Classification: Benign. Review status: criteria provided, single submitter. Criteria: ACMG Guidelines, 2015. Collection method: not provided. Allele origin: germline. Inheritance: Autosomal recessive inheritance. Affected: yes.

NM_003331.5(TYK2):c.1368-59C>T

Gene: TYK2 (tyrosine kinase 2; minus strand). Cytogenetic location: 19p13.2.
Variant type: single nucleotide variant.
Coding change: c.1368-59C>T on transcript NM_003331.5 (MANE Select); 59 bases into the intron before coding-DNA position 1368, C replaced by T.
Molecular consequence: intron variant.
Genome position (GRCh38, 1-based): chr19:10,362,716, G>A on the plus strand (C>T on the coding strand, the complement: TYK2 is on the minus strand). VCF-style: chr19-10362716-G-A. GRCh37 (hg19) VCF-style: chr19-10473392-G-A.
Identifiers: ClinVar variation 673299 (VCV000673299.4), dbSNP rs280521, ClinGen allele CA14696753.